The following is an entry in ClinVar:

NM_001430.5(EPAS1):c.452A>C (p.Asn151Thr)

Gene: EPAS1 (endothelial PAS domain protein 1; plus strand). Cytogenetic location: 2p21.
Variant type: single nucleotide variant.
Coding change: c.452A>C on transcript NM_001430.5 (MANE Select); coding-DNA position 452, A replaced by C.
Protein change: p.Asn151Thr; replaces asparagine 151 with threonine.
Molecular consequence: missense variant.
Genome position (GRCh38, 1-based): chr2:46,356,806, A>C. VCF-style: chr2-46356806-A-C. GRCh37 (hg19) VCF-style: chr2-46583945-A-C.
Other names: short protein forms N151T.
Identifiers: ClinVar variation 2626661 (VCV002626661.2), dbSNP rs2546451164, ClinGen allele CA346698392.
Genomic context (GRCh38, chr2:46,356,806, plus strand): 5'-TCTTTGACTTCACTCATCCCTGCGACCATGAGGAGATTCGTGAGAACCTGAGTCTCAAAA[A>C]TGGTATCCTTAATTGTGTTTACTTCCTTCTTGCCCCCACTGGGTGGGAATCTGCCTCCCC-3'
Protein context (NP_001421.2, residues 141-161): EEIRENLSLK[Asn151Thr]GSGFGKKSKD

ClinVar aggregate classification (germline): Uncertain significance (1 of 4 stars; one submission).

Conditions:
Inborn genetic diseases. Identifiers: MedGen C0950123, MeSH D030342.

Submission:

Ambry Genetics
Classification: Uncertain significance for Inborn genetic diseases. Last evaluated: 2023-08-26. Review status: criteria provided, single submitter. Criteria: Ambry Variant Classification Scheme 2023. Collection method: clinical testing. Allele origin: germline.
Comment: The p.N151T variant (also known as c.452A>C), located in coding exon 4 of the EPAS1 gene, results from an A to C substitution at nucleotide position 452. The asparagine at codon 151 is replaced by threonine, an amino acid with similar properties. This amino acid position is conserved. In addition, this alteration is predicted to be tolerated by in silico analysis. Since supporting evidence is limited at this time, the clinical significance of this alteration remains unclear.